The following is an entry in ClinVar:

NM_001267550.2(TTN):c.71336C>T (p.Thr23779Ile)

Genes: TTN (titin; minus strand), TTN-AS1 (TTN antisense RNA 1; plus strand). Cytogenetic location: 2q31.2.
Variant type: single nucleotide variant.
Coding change: c.71336C>T on transcript NM_001267550.2 (MANE Select); coding-DNA position 71336, C replaced by T.
Protein change: p.Thr23779Ile; replaces threonine 23779 with isoleucine.
Molecular consequence: missense variant.
Genome position (GRCh38, 1-based): chr2:178,574,796, G>A on the plus strand (C>T on the coding strand, the complement: TTN is on the minus strand). VCF-style: chr2-178574796-G-A. GRCh37 (hg19) VCF-style: chr2-179439523-G-A.
Other names: p.Thr22138Ile; c.44516C>T, p.Thr14839Ile (NM_133432.3); c.44717C>T, p.Thr14906Ile (NM_133437.4); c.66413C>T, p.Thr22138Ile (NM_001256850.1); c.44141C>T, p.Thr14714Ile (NM_003319.4); c.63632C>T, p.Thr21211Ile (NM_133378.4); short protein forms T14714I, T14839I, T14906I, T21211I, T22138I, T23779I.
Identifiers: ClinVar variation 4684610 (VCV004684610.1).

ClinVar aggregate classification (germline): Likely benign (1 of 4 stars; one submission).

gnomAD v4.1: 7 of 1,612,054 alleles (0.00043%); highest among the groups gnomAD compares: Non-Finnish European, 0.00059%; no homozygotes.

Submission:

Mayo Clinic Laboratories, Mayo Clinic
Classification: Likely benign. Last evaluated: 2025-03-10. Review status: criteria provided, single submitter. Criteria: ACMG Guidelines, 2015. Collection method: clinical testing. Allele origin: germline. Observed: 1 variant allele.
Comment: BP1, BP4_moderate, PM2_supporting